The following is an entry in ClinVar:

NM_001163278.2(TENM1):c.3724C>T (p.Pro1242Ser)

Gene: TENM1 (teneurin transmembrane protein 1; minus strand). Cytogenetic location: Xq25.
Variant type: single nucleotide variant.
Coding change: c.3724C>T on transcript NM_001163278.2 (MANE Select); coding-DNA position 3724, C replaced by T.
Protein change: p.Pro1242Ser; replaces proline 1242 with serine.
Molecular consequence: missense variant.
Genome position (GRCh38, 1-based): chrX:124,481,957, G>A on the plus strand (C>T on the coding strand, the complement: TENM1 is on the minus strand). VCF-style: chrX-124481957-G-A. GRCh37 (hg19) VCF-style: chrX-123615807-G-A.
Other names: c.3721C>T, p.Pro1241Ser (NM_001163279.1); c.3703C>T, p.Pro1235Ser (NM_014253.3); short protein forms P1235S, P1241S, P1242S.
Identifiers: ClinVar variation 3038197 (VCV003038197.2), dbSNP rs145896600, ClinGen allele CA10509912.
Genomic context (GRCh38, chrX:124,481,957, plus strand): 5'-TGTCTGATAGATAGAGTGATTCAGACACAGGGTCCATAGCCAGATAGTATTTGTGAGCAG[G>A]ACTTGTGCTAAGGAAGAGAAAAGTAAAGTTATTCAAGGCAATTTTTCAACACGAACCCCC-3'
Protein context (NP_001156750.1, residues 1232-1252): RNRDTRHSTS[Pro1242Ser]AHKYYLAMDP

ClinVar aggregate classification (germline): Benign (0 of 4 stars; one submission).

Conditions:
TENM1-related disorder. Also called: TENM1-related condition.

Allele frequency attached by ClinVar (database versions not stated): 1000 Genomes Project 0.00026; 1000 Genomes Project 30x 0.00042; ESP Exome Variant Server 0.00237; TOPMed 0.00255; gnomAD 0.00256.
gnomAD v4.1: 4,285 of 1,158,557 alleles (0.37%); highest among the groups gnomAD compares: Non-Finnish European, 0.47%; 6 homozygotes.

Submission:

PreventionGenetics, part of Exact Sciences
Classification: Benign for TENM1-related condition. Last evaluated: 2019-03-21. Review status: no assertion criteria provided. Collection method: clinical testing. Allele origin: germline.
Comment: This variant is classified as benign based on ACMG/AMP sequence variant interpretation guidelines (Richards et al. 2015 PMID: 25741868, with internal and published modifications).